The following is an entry in ClinVar:

NM_033305.3(VPS13A):c.5904_5907del (p.His1968fs)

Gene: VPS13A (vacuolar protein sorting 13 homolog A; plus strand). Cytogenetic location: 9q21.2.
Variant type: Deletion.
Coding change: c.5904_5907del on transcript NM_033305.3 (MANE Select); coding-DNA positions 5904 to 5907, 4 bases deleted (CAGA; older notation c.5904_5907delCAGA).
Protein change: p.His1968fs; shifts the reading frame from histidine 1968.
Molecular consequence: frameshift variant.
Genome position (GRCh38, 1-based): chr9:77,323,140-77,323,143, CAGA deleted; deleting any 4 consecutive bases within chr9:77,323,139-77,323,143 gives the same sequence; the c. name uses the placement nearest the transcript's 3' end. VCF-style (leftmost placement, unchanged base first): chr9-77323138-CACAG-C. GRCh37 (hg19) VCF-style: chr9-79938054-CACAG-C.
Other names: c.5787_5790del, p.His1929fs (NM_001018037.2); c.5904_5907del, p.His1968fs (NM_001018038.3, NM_015186.4); short protein forms H1968fs, H1929fs.
Identifiers: ClinVar variation 1453981 (VCV001453981.6), dbSNP rs2131454714, ClinGen allele CA2573144673.

ClinVar aggregate classification (germline): Pathogenic (1 of 4 stars; one submission).

Submission:

Labcorp Genetics (formerly Invitae), Labcorp
Classification: Pathogenic. Last evaluated: 2021-06-24. Review status: criteria provided, single submitter. Criteria: Invitae Variant Classification Sherloc (09022015). Collection method: clinical testing. Allele origin: germline.
Comment: For these reasons, this variant has been classified as Pathogenic. This variant has not been reported in the literature in individuals with VPS13A-related conditions. This variant is not present in population databases (ExAC no frequency). This sequence change creates a premature translational stop signal (p.His1968Glnfs*16) in the VPS13A gene. It is expected to result in an absent or disrupted protein product. Loss-of-function variants in VPS13A are known to be pathogenic (PMID: 12404112, 21598378).

Literature cited by the submitters: PubMed 12404112; PubMed 21598378.